The following is an entry in ClinVar:

NM_000540.3(RYR1):c.7706T>C (p.Phe2569Ser)

Gene: RYR1 (ryanodine receptor 1; plus strand). Cytogenetic location: 19q13.2.
Variant type: single nucleotide variant.
Coding change: c.7706T>C on transcript NM_000540.3 (MANE Select); coding-DNA position 7706, T replaced by C.
Protein change: p.Phe2569Ser; replaces phenylalanine 2569 with serine.
Molecular consequence: missense variant.
Genome position (GRCh38, 1-based): chr19:38,502,598, T>C. VCF-style: chr19-38502598-T-C. GRCh37 (hg19) VCF-style: chr19-38993238-T-C.
Other names: c.7706T>C, p.Phe2569Ser (NM_001042723.2); short protein forms F2569S.
Identifiers: ClinVar variation 1972639 (VCV001972639.3), dbSNP rs778270931, ClinGen allele CA070023.

ClinVar aggregate classification (germline): Uncertain significance. Review status: criteria provided, multiple submitters, no conflicts (2 of 4 stars). 2 submissions from 2 submitters: Uncertain significance (2). Last evaluated 2023-11-08.

Conditions:
RYR1-related disorder. Also called: RYR1-related disorders; RYR1-related condition. Identifiers: MedGen CN239331.
Malignant hyperthermia, susceptibility to, 1 (MHS1). Also called: RYR1-Related Malignant Hyperthermia Susceptibility; Anesthesia related hyperthermia; Malignant hyperpyrexia; Fulminating hyperpyrexia; Pharmacogenic myopathy; Malignant hyperthermia suceptibility 1. Identifiers: Orphanet 423, MedGen C2930980, MONDO:0007783, OMIM 145600.

Allele frequency attached by ClinVar (database versions not stated): TOPMed below 0.00001; ExAC 0.00001.
gnomAD v4.1: 5 of 1,612,674 alleles (0.00031%); highest among the groups gnomAD compares: Non-Finnish European, 0.00042%; no homozygotes.

Submissions (2):

Color Diagnostics, LLC DBA Color Health
Classification: Uncertain significance for Malignant hyperthermia, susceptibility to, 1. Last evaluated: 2023-11-08. Review status: criteria provided, single submitter. Criteria: ACMG Guidelines, 2015. Collection method: clinical testing. Allele origin: germline.
Comment: This missense variant replaces phenylalanine with serine at codon 2569 of the RYR1 protein. Computational prediction suggests that this variant may have deleterious impact on protein structure and function. To our knowledge, functional studies have not been reported for this variant. This variant has not been reported in individuals affected with RYR1-related disorders in the literature. This variant has been identified in 1/250336 chromosomes in the general population by the Genome Aggregation Database (gnomAD). The available evidence is insufficient to determine the role of this variant in disease conclusively. Therefore, this variant is classified as a Variant of Uncertain Significance.

Labcorp Genetics (formerly Invitae), Labcorp
Classification: Uncertain significance for RYR1-related disorder. Last evaluated: 2022-08-10. Review status: criteria provided, single submitter. Criteria: Invitae Variant Classification Sherloc (09022015). Collection method: clinical testing. Allele origin: germline.
Comment: This sequence change replaces phenylalanine, which is neutral and non-polar, with serine, which is neutral and polar, at codon 2569 of the RYR1 protein (p.Phe2569Ser). This variant is present in population databases (rs778270931, gnomAD 0.0009%). This variant has not been reported in the literature in individuals affected with RYR1-related conditions. Advanced modeling of protein sequence and biophysical properties (such as structural, functional, and spatial information, amino acid conservation, physicochemical variation, residue mobility, and thermodynamic stability) performed at Invitae indicates that this missense variant is expected to disrupt RYR1 protein function. In summary, the available evidence is currently insufficient to determine the role of this variant in disease. Therefore, it has been classified as a Variant of Uncertain Significance.